The following is an entry in ClinVar:

NM_004104.5(FASN):c.709T>G (p.Ser237Ala)

Gene: FASN (fatty acid synthase; minus strand). Cytogenetic location: 17q25.3.
Variant type: single nucleotide variant.
Coding change: c.709T>G on transcript NM_004104.5 (MANE Select); coding-DNA position 709, T replaced by G.
Protein change: p.Ser237Ala; replaces serine 237 with alanine.
Molecular consequence: missense variant.
Genome position (GRCh38, 1-based): chr17:82,092,966, A>C on the plus strand (T>G on the coding strand, the complement: FASN is on the minus strand). VCF-style: chr17-82092966-A-C. GRCh37 (hg19) VCF-style: chr17-80050842-A-C.
Other names: short protein forms S237A.
Identifiers: ClinVar variation 4763172 (VCV004763172.1).

ClinVar aggregate classification (germline): Uncertain significance (1 of 4 stars; one submission).

Conditions:
Epileptic encephalopathy. Identifiers: MedGen C0543888, HP:0200134.

Submission:

Labcorp Genetics (formerly Invitae), Labcorp
Classification: Uncertain significance for Epileptic encephalopathy. Last evaluated: 2025-10-10. Review status: criteria provided, single submitter. Criteria: Invitae Variant Classification Sherloc (09022015). Collection method: clinical testing. Allele origin: germline.
Comment: This sequence change replaces serine, which is neutral and polar, with alanine, which is neutral and non-polar, at codon 237 of the FASN protein (p.Ser237Ala). This variant is not present in population databases (gnomAD no frequency). This variant has not been reported in the literature in individuals affected with FASN-related conditions. An algorithm developed to predict the effect of missense changes on protein structure and function (PolyPhen-2) suggests that this variant is likely to be tolerated. In summary, the available evidence is currently insufficient to determine the role of this variant in disease. Therefore, it has been classified as a Variant of Uncertain Significance.